The following is an entry in ClinVar:

NM_015488.5(PNKD):c.1009C>T (p.Arg337Cys)

Genes: CATIP-AS2 (CATIP antisense RNA 2; minus strand), PNKD (PNKD metallo-beta-lactamase domain containing; plus strand). Cytogenetic location: 2q35.
Variant type: single nucleotide variant.
Coding change: c.1009C>T on transcript NM_015488.5 (MANE Select); coding-DNA position 1009, C replaced by T.
Protein change: p.Arg337Cys; replaces arginine 337 with cysteine.
Molecular consequence: missense variant.
Genome position (GRCh38, 1-based): chr2:218,344,832, C>T. VCF-style: chr2-218344832-C-T. GRCh37 (hg19) VCF-style: chr2-219209555-C-T.
Other names: c.937C>T, p.Arg313Cys (NM_022572.5); short protein forms R313C, R337C.
Identifiers: ClinVar variation 841872 (VCV000841872.13), dbSNP rs1694784083, ClinGen allele CA350543190.

ClinVar aggregate classification (germline): Uncertain significance. Review status: criteria provided, multiple submitters, no conflicts (2 of 4 stars). 5 submissions from 5 submitters: Uncertain significance (5). Last evaluated 2025-08-07.

Conditions:
Paroxysmal nonkinesigenic dyskinesia. Also called: Paroxysmal non-kinesigenic dyskinesia. Identifiers: Orphanet 98810, MedGen C1869117, MONDO:0700088.
Inborn genetic diseases. Identifiers: MedGen C0950123, MeSH D030342.

Allele frequency attached by ClinVar (database versions not stated): TOPMed below 0.00001.
gnomAD v4.1: 7 of 1,613,912 alleles (0.00043%); highest among the groups gnomAD compares: Non-Finnish European, 0.00059%; no homozygotes.

Submissions (5):

Ambry Genetics
Classification: Uncertain significance for Inborn genetic diseases. Last evaluated: 2025-08-07. Review status: criteria provided, single submitter. Criteria: Ambry Variant Classification Scheme 2023. Collection method: clinical testing. Allele origin: germline.

Labcorp Genetics (formerly Invitae), Labcorp
Classification: Uncertain significance for Paroxysmal nonkinesigenic dyskinesia. Last evaluated: 2025-04-21. Review status: criteria provided, single submitter. Criteria: Invitae Variant Classification Sherloc (09022015). Collection method: clinical testing. Allele origin: germline.
Comment: This sequence change replaces arginine, which is basic and polar, with cysteine, which is neutral and slightly polar, at codon 337 of the PNKD protein (p.Arg337Cys). This variant is not present in population databases (gnomAD no frequency). This variant has not been reported in the literature in individuals affected with PNKD-related conditions. ClinVar contains an entry for this variant (Variation ID: 841872). Invitae Evidence Modeling of protein sequence and biophysical properties (such as structural, functional, and spatial information, amino acid conservation, physicochemical variation, residue mobility, and thermodynamic stability) indicates that this missense variant is not expected to disrupt PNKD protein function with a negative predictive value of 80%. In summary, the available evidence is currently insufficient to determine the role of this variant in disease. Therefore, it has been classified as a Variant of Uncertain Significance.

Blueprint Genetics
Classification: Uncertain significance. Last evaluated: 2024-06-17. Review status: criteria provided, single submitter. Criteria: ACMG Guidelines, 2015. Collection method: clinical testing. Allele origin: germline.

Women's Health and Genetics/Laboratory Corporation of America, LabCorp
Classification: Uncertain significance. Last evaluated: 2024-04-05. Review status: criteria provided, single submitter. Criteria: LabCorp Variant Classification Summary - May 2015. Collection method: clinical testing. Allele origin: germline.
Comment: Variant summary: PNKD c.1009C>T (p.Arg337Cys) results in a non-conservative amino acid change located in the Hydroxyacylglutathione hydrolase, C-terminal domain (IPR032282) of the encoded protein sequence. Four of five in-silico tools predict a damaging effect of the variant on protein function. The variant was absent in 249210 control chromosomes. The available data on variant occurrences in the general population are insufficient to allow any conclusion about variant significance. To our knowledge, no occurrence of c.1009C>T in individuals affected with Paroxysmal Nonkinesigenic Dyskinesia 1 and no experimental evidence demonstrating its impact on protein function have been reported. ClinVar contains an entry for this variant (Variation ID: 841872). Based on the evidence outlined above, the variant was classified as uncertain significance.

GeneDx
Classification: Uncertain significance. Last evaluated: 2023-04-18. Review status: criteria provided, single submitter. Criteria: GeneDx Variant Classification Process June 2021. Collection method: clinical testing. Allele origin: germline. Affected: yes.
Comment: Not observed at significant frequency in large population cohorts (gnomAD); In silico analysis supports that this missense variant has a deleterious effect on protein structure/function; Has not been previously published as pathogenic or benign to our knowledge